The following is an entry in ClinVar:

NM_031935.3(HMCN1):c.10184G>C (p.Gly3395Ala)

Gene: HMCN1 (hemicentin 1; plus strand). Cytogenetic location: 1q31.1.
Variant type: single nucleotide variant.
Coding change: c.10184G>C on transcript NM_031935.3 (MANE Select); coding-DNA position 10184, G replaced by C.
Protein change: p.Gly3395Ala; replaces glycine 3395 with alanine.
Molecular consequence: missense variant.
Genome position (GRCh38, 1-based): chr1:186,093,657, G>C. VCF-style: chr1-186093657-G-C. GRCh37 (hg19) VCF-style: chr1-186062789-G-C.
Other names: short protein forms G3395A.
Identifiers: ClinVar variation 1895753 (VCV001895753.5), dbSNP rs1167011058, ClinGen allele CA343928114.

ClinVar aggregate classification (germline): Uncertain significance (1 of 4 stars; one submission).

gnomAD v4.1: 7 of 1,613,246 alleles (0.00043%); highest among the groups gnomAD compares: Admixed American, 0.0084%; no homozygotes.

Submission:

Labcorp Genetics (formerly Invitae), Labcorp
Classification: Uncertain significance. Last evaluated: 2024-08-28. Review status: criteria provided, single submitter. Criteria: Invitae Variant Classification Sherloc (09022015). Collection method: clinical testing. Allele origin: germline.
Comment: This sequence change replaces glycine, which is neutral and non-polar, with alanine, which is neutral and non-polar, at codon 3395 of the HMCN1 protein (p.Gly3395Ala). This variant is present in population databases (no rsID available, gnomAD 0.009%). This variant has not been reported in the literature in individuals affected with HMCN1-related conditions. ClinVar contains an entry for this variant (Variation ID: 1895753). An algorithm developed to predict the effect of missense changes on protein structure and function (PolyPhen-2) suggests that this variant is likely to be disruptive. In summary, the available evidence is currently insufficient to determine the role of this variant in disease. Therefore, it has been classified as a Variant of Uncertain Significance.